The following is an entry in ClinVar:

ClinVar aggregate classification (germline): Likely benign (1 of 4 stars; one submission).

Conditions:
Cardiomyopathy (CMYO). Also called: Cardiomyopathies. Identifiers: Orphanet 167848, MedGen C0878544, MONDO:0004994, HP:0001638. Inheritance: Various modes of inheritance.

Submission:

All of Us Research Program, National Institutes of Health
Classification: Likely benign for Cardiomyopathy. Last evaluated: 2023-06-08. Review status: criteria provided, single submitter. Criteria: ACMG Guidelines, 2015. Collection method: clinical testing. Allele origin: germline. Inheritance: Autosomal dominant inheritance. Observed: 1 variant allele, 1 heterozygote.
Comment: This study involves interpretation of variants in research participants for the purpose of population health screening. Participant phenotype was not available at the time of variant classification. Additional details can be found in publication PMID: 35346344, PMCID: PMC8962531

NM_001276345.2(TNNT2):c.669T>C (p.Ala223=)

Gene: TNNT2 (troponin T2, cardiac type; minus strand). Cytogenetic location: 1q32.1.
Variant type: single nucleotide variant.
Coding change: c.669T>C on transcript NM_001276345.2 (MANE Select); coding-DNA position 669, T replaced by C.
Protein change: p.Ala223=; no amino-acid change (alanine 223 retained).
Molecular consequence: synonymous variant.
Genome position (GRCh38, 1-based): chr1:201,361,963, A>G on the plus strand (T>C on the coding strand, the complement: TNNT2 is on the minus strand). VCF-style: chr1-201361963-A-G. GRCh37 (hg19) VCF-style: chr1-201331091-A-G.
Other names: c.660T>C, p.Ala220= (NM_000364.4, NM_001406723.1); c.639T>C, p.Ala213= (NM_001001430.3, NM_001276347.2, NM_001406724.1); c.630T>C, p.Ala210= (NM_001001431.3, NM_001406726.1, NM_001406727.1); c.621T>C, p.Ala207= (NM_001001432.3); c.540T>C, p.Ala180= (NM_001276346.2); c.636T>C, p.Ala212= (NM_001406725.1); c.624T>C, p.Ala208= (NM_001406728.1).
Identifiers: ClinVar variation 3071578 (VCV003071578.1), dbSNP rs1571605332, ClinGen allele CA422529565.